The following is an entry in ClinVar:

NM_017433.5(MYO3A):c.3499del (p.Ser1167fs)

Gene: MYO3A (myosin IIIA; plus strand). Cytogenetic location: 10p12.1.
Variant type: Deletion.
Coding change: c.3499del on transcript NM_017433.5 (MANE Select); coding-DNA position 3499, one base deleted (T; older notation c.3499delT).
Protein change: p.Ser1167fs; shifts the reading frame from serine 1167.
Molecular consequence: frameshift variant.
Genome position (GRCh38, 1-based): chr10:26,173,763, T deleted; the last of 2 consecutive T bases (chr10:26,173,762-26,173,763); deleting either gives the same sequence. VCF-style (leftmost placement, unchanged base first): chr10-26173761-CT-C. GRCh37 (hg19) VCF-style: chr10-26462690-CT-C.
Other names: c.3499delT (NM_017433.4); short protein forms S1167fs.
Identifiers: ClinVar variation 618746 (VCV000618746.16), dbSNP rs752046945, ClinGen allele CA5445279.
Genomic context (GRCh38, chr10:26,173,761, plus strand): 5'-CTGCTAATGAAAGATTCATTTCAGCTCCAAATAATAAAGGAAGTGTATCTGTAGTGAAGA[CT>C]TCCACTTTCAAACCTGAAGAGGAAACCACCAATGCTGTGGAGAGTAACAACAGAGTGTAT-3'

ClinVar aggregate classification (germline): Conflicting classifications of pathogenicity. Review status: criteria provided, conflicting classifications (1 of 4 stars). 4 submissions from 4 submitters: Pathogenic (1); Likely pathogenic (2); Uncertain significance (1). Last evaluated 2025-04-18.

Conditions:
Autosomal recessive nonsyndromic hearing loss 30. Identifiers: Orphanet 90636, MedGen C1846784, MONDO:0011774, OMIM 607101.

Submissions (4):

Labcorp Genetics (formerly Invitae), Labcorp
Classification: Pathogenic. Last evaluated: 2025-04-18. Review status: criteria provided, single submitter. Criteria: Invitae Variant Classification Sherloc (09022015). Collection method: clinical testing. Allele origin: germline.
Comment: This sequence change creates a premature translational stop signal (p.Ser1167Profs*26) in the MYO3A gene. It is expected to result in an absent or disrupted protein product. Loss-of-function variants in MYO3A are known to be pathogenic (PMID: 12032315, 23990876). This variant is present in population databases (rs752046945, gnomAD 0.05%). This variant has not been reported in the literature in individuals affected with MYO3A-related conditions. ClinVar contains an entry for this variant (Variation ID: 618746). For these reasons, this variant has been classified as Pathogenic.

GeneDx
Classification: Uncertain significance. Last evaluated: 2022-03-18. Review status: criteria provided, single submitter. Criteria: GeneDx Variant Classification Process June 2021. Collection method: clinical testing. Allele origin: germline. Affected: yes.
Comment: Frameshift variant predicted to result in protein truncation or nonsense mediated decay in a gene for which loss-of-function is a known mechanism of disease; Has not been previously published as pathogenic or benign to our knowledge

ARUP Laboratories, Molecular Genetics and Genomics, ARUP Laboratories
Classification: Likely pathogenic for Autosomal recessive nonsyndromic hearing loss 30. Last evaluated: 2018-08-29. Review status: criteria provided, single submitter. Criteria: ARUP Molecular Germline Variant Investigation Process. Collection method: clinical testing. Allele origin: germline.
Comment: The p.Ser1167fs variant (rs752046945) has not been reported in the medical literature, but it is listed in the Genome Aggregation Database (gnomAD) browser with an allele frequency of 0.053% in the East Asian population (identified in 10 out of 18,858 chromosomes), which is consistent with a recessive carrier frequency. Deletion of the thymine at nucleotide 3499 causes a frameshift in the MYO3A gene at codon 1167, which creates a premature stop codon that is predicted to result in a truncated or absent protein product. Other truncating variants in MYO3A have been reported in individuals with non-syndromic hearing loss (Sommen 2016 and Walsh 2002). Therefore, based on the available evidence, the p.Ser1167fs variant is classified as likely pathogenic.

Juno Genomics, Hangzhou Juno Genomics, Inc
Classification: Likely pathogenic for Autosomal recessive nonsyndromic hearing loss 30. Review status: criteria provided, single submitter. Criteria: ACMG Guidelines, 2015. Collection method: clinical testing. Allele origin: germline. Affected: yes.
Comment: Absent from controls (or at extremely low frequency if recessive) in Genome Aggregation Database, Exome Sequencing Project, 1000 Genomes Project, or Exome Aggregation Consortium.;Null variant in a gene where loss of function (LOF) is a known mechanism of disease.

Literature cited by the submitters: PubMed 12032315 (cited by Labcorp Genetics (formerly Invitae), Labcorp); PubMed 23990876 (cited by Labcorp Genetics (formerly Invitae), Labcorp).